The following is an entry in ClinVar:

NM_001631.5(ALPI):c.667C>T (p.Arg223Cys)

Gene: ALPI (alkaline phosphatase, intestinal; plus strand). Cytogenetic location: 2q37.1.
Variant type: single nucleotide variant.
Coding change: c.667C>T on transcript NM_001631.5 (MANE Select); coding-DNA position 667, C replaced by T.
Protein change: p.Arg223Cys; replaces arginine 223 with cysteine.
Molecular consequence: missense variant.
Genome position (GRCh38, 1-based): chr2:232,457,583, C>T. VCF-style: chr2-232457583-C-T. GRCh37 (hg19) VCF-style: chr2-233322293-C-T.
Other names: p.Arg223Cys; short protein forms R223C.
Identifiers: ClinVar variation 4540821 (VCV004540821.1).

ClinVar aggregate classification (germline): Uncertain significance (1 of 4 stars; one submission).

Submission:

Mayo Clinic Laboratories, Mayo Clinic
Classification: Uncertain significance. Last evaluated: 2025-05-18. Review status: criteria provided, single submitter. Criteria: ACMG Guidelines, 2015. Collection method: clinical testing. Allele origin: germline. Observed: 1 variant allele.
Comment: PP3, PM2_supporting